The following is an entry in ClinVar:

NM_000243.3(MEFV):c.943T>C (p.Cys315Arg)

Gene: MEFV (MEFV innate immunity regulator, pyrin; minus strand). Cytogenetic location: 16p13.3.
Variant type: single nucleotide variant.
Coding change: c.943T>C on transcript NM_000243.3 (MANE Select); coding-DNA position 943, T replaced by C.
Protein change: p.Cys315Arg; replaces cysteine 315 with arginine.
Molecular consequence: missense variant.
Genome position (GRCh38, 1-based): chr16:3,249,748, A>G on the plus strand (T>C on the coding strand, the complement: MEFV is on the minus strand). VCF-style: chr16-3249748-A-G. GRCh37 (hg19) VCF-style: chr16-3299748-A-G.
Other names: c.310T>C, p.Cys104Arg (NM_001198536.2); short protein forms C104R, C315R.
Identifiers: ClinVar variation 2130436 (VCV002130436.4), dbSNP rs2543149531, ClinGen allele CA394471904.
Genomic context (GRCh38, chr16:3,249,748, plus strand): 5'-GGAAGCTGCAGGAATCACGCACACAGGTACCGTCAACTGGGTCTCCTTCCTGGGCGTGGC[A>G]GCGGGGACTCGCAGCCGTGTCTGGTGGCCTTCCTGGGGACATGCAGTGGAAAAACCCCCT-3'
Protein context (NP_000234.1, residues 305-325): RPPDTAASPR[Cys315Arg]HAQEGDPVDG

ClinVar aggregate classification (germline): Uncertain significance (1 of 4 stars; one submission).

Conditions:
Familial Mediterranean fever (FMF). Also called: POLYSEROSITIS, FAMILIAL PAROXYSMAL; POLYSEROSITIS, RECURRENT; Periodic peritonitis; Benign paroxysmal peritonitis. Identifiers: Orphanet 342, MedGen C0031069, MONDO:0018088, OMIM 249100. Disease mechanism: gain of function.

Submission:

Labcorp Genetics (formerly Invitae), Labcorp
Classification: Uncertain significance for Familial Mediterranean fever. Last evaluated: 2022-04-26. Review status: criteria provided, single submitter. Criteria: Invitae Variant Classification Sherloc (09022015). Collection method: clinical testing. Allele origin: germline.
Comment: This sequence change replaces cysteine, which is neutral and slightly polar, with arginine, which is basic and polar, at codon 315 of the MEFV protein (p.Cys315Arg). This variant is not present in population databases (gnomAD no frequency). This variant has not been reported in the literature in individuals affected with MEFV-related conditions. Algorithms developed to predict the effect of missense changes on protein structure and function are either unavailable or do not agree on the potential impact of this missense change (SIFT: "Deleterious"; PolyPhen-2: "Possibly Damaging"; Align-GVGD: "Class C0"). In summary, the available evidence is currently insufficient to determine the role of this variant in disease. Therefore, it has been classified as a Variant of Uncertain Significance.